The following is an entry in ClinVar:

ClinVar aggregate classification (germline): Uncertain significance (1 of 4 stars; one submission).

Submission:

Labcorp Genetics (formerly Invitae), Labcorp
Classification: Uncertain significance. Last evaluated: 2025-12-03. Review status: criteria provided, single submitter. Criteria: Invitae Variant Classification Sherloc (09022015). Collection method: clinical testing. Allele origin: germline.
Comment: This sequence change replaces proline, which is neutral and non-polar, with leucine, which is neutral and non-polar, at codon 240 of the CLTC protein (p.Pro240Leu). This variant is not present in population databases (gnomAD no frequency). This variant has not been reported in the literature in individuals affected with CLTC-related conditions. ClinVar contains an entry for this variant (Variation ID: 2108173). Invitae Evidence Modeling of protein sequence and biophysical properties (such as structural, functional, and spatial information, amino acid conservation, physicochemical variation, residue mobility, and thermodynamic stability) indicates that this missense variant is not expected to disrupt CLTC protein function with a negative predictive value of 80%. In summary, the available evidence is currently insufficient to determine the role of this variant in disease. Therefore, it has been classified as a Variant of Uncertain Significance.

NM_004859.4(CLTC):c.707C>T (p.Pro236Leu)

Gene: CLTC (clathrin heavy chain; plus strand). Cytogenetic location: 17q23.1.
Variant type: single nucleotide variant.
Coding change: c.707C>T on transcript NM_004859.4 (MANE Select); coding-DNA position 707, C replaced by T.
Protein change: p.Pro236Leu; replaces proline 236 with leucine.
Molecular consequence: missense variant.
Genome position (GRCh38, 1-based): chr17:59,651,228, C>T. VCF-style: chr17-59651228-C-T. GRCh37 (hg19) VCF-style: chr17-57728589-C-T.
Other names: c.719C>T, p.Pro240Leu (NM_001288653.2); short protein forms P236L, P240L.
Identifiers: ClinVar variation 2108173 (VCV002108173.4), dbSNP rs2509365248, ClinGen allele CA400422188.